The following is an entry in ClinVar:

NM_020822.3(KCNT1):c.1510+270A>G

Gene: KCNT1 (potassium sodium-activated channel subfamily T member 1; plus strand). Cytogenetic location: 9q34.3.
Variant type: single nucleotide variant.
Coding change: c.1510+270A>G on transcript NM_020822.3 (MANE Select); 270 bases into the intron after coding-DNA position 1510, A replaced by G.
Molecular consequence: intron variant.
Genome position (GRCh38, 1-based): chr9:135,769,207, A>G. VCF-style: chr9-135769207-A-G. GRCh37 (hg19) VCF-style: chr9-138661053-A-G.
Other names: c.1375+270A>G (NM_001272003.2).
Identifiers: ClinVar variation 683573 (VCV000683573.1), dbSNP rs60142493, ClinGen allele CA201472220.

ClinVar aggregate classification (germline): Likely benign (1 of 4 stars; one submission).

Allele frequency attached by ClinVar (database versions not stated): gnomAD 0.02452 and 0.02538; 1000 Genomes Project 0.06030.
gnomAD v4.1: 2,529 of 99,908 alleles (2.5%); highest among the groups gnomAD compares: Admixed American, 5.7%; 127 homozygotes.

Submission:

GeneDx
Classification: Likely benign. Last evaluated: 2018-06-19. Review status: criteria provided, single submitter. Criteria: GeneDx Variant Classification (06012015). Collection method: clinical testing. Allele origin: germline. Affected: yes.
Comment: This variant is considered likely benign or benign based on one or more of the following criteria: it is a conservative change, it occurs at a poorly conserved position in the protein, it is predicted to be benign by multiple in silico algorithms, and/or has population frequency not consistent with disease.